The following is an entry in ClinVar:

NM_001201543.2(FAM161A):c.536C>G (p.Pro179Arg)

Gene: FAM161A (FAM161 centrosomal protein A; minus strand). Cytogenetic location: 2p15.
Variant type: single nucleotide variant.
Coding change: c.536C>G on transcript NM_001201543.2 (MANE Select); coding-DNA position 536, C replaced by G.
Protein change: p.Pro179Arg; replaces proline 179 with arginine.
Molecular consequence: missense variant. On other transcripts: non-coding transcript variant (1).
Genome position (GRCh38, 1-based): chr2:61,840,468, G>C on the plus strand (C>G on the coding strand, the complement: FAM161A is on the minus strand). VCF-style: chr2-61840468-G-C. GRCh37 (hg19) VCF-style: chr2-62067603-G-C.
Other names: c.536C>G, p.Pro179Arg (NM_032180.3); short protein forms P179R.
Identifiers: ClinVar variation 1716387 (VCV001716387.5), dbSNP rs775508931, ClinGen allele CA346988948.
Genomic context (GRCh38, chr2:61,840,468, plus strand): 5'-ATGAGCTCCTTAGCATAGGTCATCATTCTGTTTTTCCTAGGATACTCTTTTTCTAGGTTG[G>C]GTAACTCCTCTTCAGAGGAGGACACATACAAGGAGGAAGACTGGCCTAAATCAGGCTCTG-3'
Protein context (NP_001188472.1, residues 169-189): LYVSSSEEEL[Pro179Arg]NLEKEYPRKN

ClinVar aggregate classification (germline): Uncertain significance (1 of 4 stars; one submission).

gnomAD v4.1: 2 of 1,613,878 alleles (0.00012%); highest among the groups gnomAD compares: Non-Finnish European, 0.00017%; no homozygotes.

Submission:

Labcorp Genetics (formerly Invitae), Labcorp
Classification: Uncertain significance. Last evaluated: 2023-06-29. Review status: criteria provided, single submitter. Criteria: Invitae Variant Classification Sherloc (09022015). Collection method: clinical testing. Allele origin: germline.
Comment: In summary, the available evidence is currently insufficient to determine the role of this variant in disease. Therefore, it has been classified as a Variant of Uncertain Significance. Advanced modeling of protein sequence and biophysical properties (such as structural, functional, and spatial information, amino acid conservation, physicochemical variation, residue mobility, and thermodynamic stability) performed at Invitae indicates that this missense variant is not expected to disrupt FAM161A protein function. ClinVar contains an entry for this variant (Variation ID: 1716387). This variant has not been reported in the literature in individuals affected with FAM161A-related conditions. This variant is not present in population databases (gnomAD no frequency). This sequence change replaces proline, which is neutral and non-polar, with arginine, which is basic and polar, at codon 179 of the FAM161A protein (p.Pro179Arg).